The following is an entry in ClinVar:

ClinVar aggregate classification (germline): Uncertain significance (1 of 4 stars; one submission).

Conditions:
Inborn genetic diseases. Identifiers: MedGen C0950123, MeSH D030342.

gnomAD v4.1: 1 of 1,613,276 alleles (0.000062%); highest among the groups gnomAD compares: Non-Finnish European, 0.000085%; no homozygotes.

Submission:

Ambry Genetics
Classification: Uncertain significance for Inborn genetic diseases. Last evaluated: 2026-07-15. Review status: criteria provided, single submitter. Criteria: Ambry Variant Classification Scheme 2023. Collection method: clinical testing. Allele origin: germline.
Comment: The p.E715K variant (also known as c.2143G>A), located in coding exon 1 of the SAMD9 gene, results from a G to A substitution at nucleotide position 2143. The glutamic acid at codon 715 is replaced by lysine, an amino acid with similar properties. This amino acid position is conserved. In addition, this alteration is predicted to be tolerated by in silico analysis. Based on the available evidence, the clinical significance of this variant remains unclear.

NM_017654.4(SAMD9):c.2143G>A (p.Glu715Lys)

Gene: SAMD9 (sterile alpha motif domain containing 9; minus strand). Cytogenetic location: 7q21.2.
Variant type: single nucleotide variant.
Coding change: c.2143G>A on transcript NM_017654.4 (MANE Select); coding-DNA position 2143, G replaced by A.
Protein change: p.Glu715Lys; replaces glutamic acid 715 with lysine.
Molecular consequence: missense variant.
Genome position (GRCh38, 1-based): chr7:93,103,955, C>T on the plus strand (G>A on the coding strand, the complement: SAMD9 is on the minus strand). VCF-style: chr7-93103955-C-T. GRCh37 (hg19) VCF-style: chr7-92733268-C-T.
Other names: c.2143G>A, p.Glu715Lys (NM_001193307.2); short protein forms E715K.
Identifiers: ClinVar variation 5028764 (VCV005028764.1).